The following is an entry in ClinVar:

NM_181882.3(PRX):c.2282C>G (p.Pro761Arg)

Gene: PRX (periaxin; minus strand). Cytogenetic location: 19q13.2.
Variant type: single nucleotide variant.
Coding change: c.2282C>G on transcript NM_181882.3 (MANE Select); coding-DNA position 2282, C replaced by G.
Protein change: p.Pro761Arg; replaces proline 761 with arginine.
Molecular consequence: missense variant. On other transcripts: 3 prime UTR variant (1).
Genome position (GRCh38, 1-based): chr19:40,396,070, G>C on the plus strand (C>G on the coding strand, the complement: PRX is on the minus strand). VCF-style: chr19-40396070-G-C. GRCh37 (hg19) VCF-style: chr19-40901977-G-C.
Other names: c.*2487C>G (NM_020956.2); short protein forms P761R.
Identifiers: ClinVar variation 848299 (VCV000848299.5), dbSNP rs530370432, ClinGen allele CA405896617.
Genomic context (GRCh38, chr19:40,396,070, plus strand): 5'-TCCGGAGCCCTGGGCAGCTTCACCTCTGGTGCCTTCGGAAGATGCACGTCGGGAACCTTC[G>C]GCACTTGCATTTCCGGCAGCCGAATCTCTGACACTTTCGGCAGCTGCACCTCGGGGAGGT-3'
Protein context (NP_870998.2, residues 751-771): SEIRLPEMQV[Pro761Arg]KVPDVHLPKA

ClinVar aggregate classification (germline): Uncertain significance (1 of 4 stars; one submission).

Conditions:
Charcot-Marie-Tooth disease type 4. Also called: Charcot-Marie-Tooth disease, type IV; Charcot-Marie-Tooth, Type 4. Identifiers: Orphanet 64749, MedGen C4082197, MONDO:0018995.

Allele frequency attached by ClinVar (database versions not stated): TOPMed 0.00001.
gnomAD v4.1: 6 of 1,614,032 alleles (0.00037%); highest among the groups gnomAD compares: Non-Finnish European, 0.00051%; no homozygotes.

Submission:

Labcorp Genetics (formerly Invitae), Labcorp
Classification: Uncertain significance for Charcot-Marie-Tooth disease type 4. Last evaluated: 2021-11-19. Review status: criteria provided, single submitter. Criteria: Invitae Variant Classification Sherloc (09022015). Collection method: clinical testing. Allele origin: germline.
Comment: This sequence change replaces proline, which is neutral and non-polar, with arginine, which is basic and polar, at codon 761 of the PRX protein (p.Pro761Arg). This variant is not present in population databases (gnomAD no frequency). This variant has not been reported in the literature in individuals affected with PRX-related conditions. ClinVar contains an entry for this variant (Variation ID: 848299). Algorithms developed to predict the effect of missense changes on protein structure and function are either unavailable or do not agree on the potential impact of this missense change (SIFT: "Deleterious"; PolyPhen-2: "Probably Damaging"; Align-GVGD: "Class C15"). In summary, the available evidence is currently insufficient to determine the role of this variant in disease. Therefore, it has been classified as a Variant of Uncertain Significance.